The following is an entry in ClinVar:

NM_000271.5(NPC1):c.3246T>A (p.Ser1082Arg)

Gene: NPC1 (NPC intracellular cholesterol transporter 1; minus strand). Cytogenetic location: 18q11.2.
Variant type: single nucleotide variant.
Coding change: c.3246T>A on transcript NM_000271.5 (MANE Select); coding-DNA position 3246, T replaced by A.
Protein change: p.Ser1082Arg; replaces serine 1082 with arginine.
Molecular consequence: missense variant.
Genome position (GRCh38, 1-based): chr18:23,535,700, A>T on the plus strand (T>A on the coding strand, the complement: NPC1 is on the minus strand). VCF-style: chr18-23535700-A-T. GRCh37 (hg19) VCF-style: chr18-21115664-A-T.
Other names: short protein forms S1082R.
Identifiers: ClinVar variation 2506393 (VCV002506393.2), dbSNP rs761952957, ClinGen allele CA401791616.

ClinVar aggregate classification (germline): Likely pathogenic (1 of 4 stars; one submission).

Conditions:
Niemann-Pick disease, type C1. Also called: NIEMANN-PICK DISEASE, VARIANT TYPE C1; NEUROVISCERAL STORAGE DISEASE WITH VERTICAL SUPRANUCLEAR OPHTHALMOPLEGIA; NIEMANN-PICK DISEASE WITH CHOLESTEROL ESTERIFICATION BLOCK; NIEMANN-PICK DISEASE WITHOUT SPHINGOMYELINASE DEFICIENCY; NIEMANN-PICK DISEASE, CHRONIC NEURONOPATHIC FORM. Identifiers: Orphanet 646, MedGen C3179455, MONDO:0009757, OMIM 257220.

gnomAD v4.1: 1 of 1,605,274 alleles (0.000062%); highest among the groups gnomAD compares: South Asian, 0.0011%; no homozygotes.

Submission:

Institute of Medical Genetics and Genomics, Sir Ganga Ram Hospital
Classification: Likely pathogenic for Niemann-Pick disease, type C1. Last evaluated: 2023-06-21. Review status: criteria provided, single submitter. Criteria: ACMG Guidelines, 2015. Collection method: clinical testing. Allele origin: germline. Inheritance: Autosomal recessive inheritance. Affected: yes. Observed: 1 compound heterozygote.
Comment: The Lyso-SM-509 biomarker for Neimann Pick C is increased. This variant is present in exon 22 which is an exonic hotspot and 241 pathogenic mis-sense variants have been reported in this gene (PM1_Moderate & PP2_supporting). This variant is found in 0.0004% gnomAD (aggregated) (PM2_Moderate).

Literature cited by the submitters: PubMed 31139477.